The following is an entry in ClinVar:

NM_020919.4(ALS2):c.2296G>A (p.Ala766Thr)

Gene: ALS2 (alsin Rho guanine nucleotide exchange factor ALS2; minus strand). Cytogenetic location: 2q33.1.
Variant type: single nucleotide variant.
Coding change: c.2296G>A on transcript NM_020919.4 (MANE Select); coding-DNA position 2296, G replaced by A.
Protein change: p.Ala766Thr; replaces alanine 766 with threonine.
Molecular consequence: missense variant.
Genome position (GRCh38, 1-based): chr2:201,741,729, C>T on the plus strand (G>A on the coding strand, the complement: ALS2 is on the minus strand). VCF-style: chr2-201741729-C-T. GRCh37 (hg19) VCF-style: chr2-202606452-C-T.
Other names: p.Ala766Thr; c.2296G>A, p.Ala766Thr (NM_001410975.1); short protein forms A766T.
Identifiers: ClinVar variation 2682809 (VCV002682809.1), dbSNP rs746315330, ClinGen allele CA2058235.
Genomic context (GRCh38, chr2:201,741,729, plus strand): 5'-CTTGCTCTGTATAACTATCCAAGAAGAGACTTGAATGCTTCAGGATGACCAAACTCCTGG[C>T]TTCCTTTACCCCATGAAGGAAGCTGCTCAATGAGGCTCCATGCTGACCAATGAGGTAACA-3'
Protein context (NP_065970.2, residues 756-776): LSSFLHGVKE[Ala766Thr]RSLVILKHSS

ClinVar aggregate classification (germline): Uncertain significance (1 of 4 stars; one submission).

Allele frequency attached by ClinVar (database versions not stated): ExAC 0.00001; gnomAD 0.00001.
gnomAD v4.1: 2 of 1,614,034 alleles (0.00012%); highest among the groups gnomAD compares: Non-Finnish European, 0.00017%; no homozygotes.

Submission:

Mayo Clinic Laboratories, Mayo Clinic
Classification: Uncertain significance. Last evaluated: 2022-07-12. Review status: criteria provided, single submitter. Criteria: ACMG Guidelines, 2015. Collection method: clinical testing. Allele origin: germline. Observed: 1 variant allele.
Comment: BP4